The following is an entry in ClinVar:

ClinVar aggregate classification (germline): Likely benign. Review status: criteria provided, multiple submitters, no conflicts (2 of 4 stars). 2 submissions from 2 submitters: Likely benign (2). Last evaluated 2025-04-16.

Conditions:
Joubert syndrome. Also called: JOUBERT-BOLTSHAUSER SYNDROME; Familial aplasia of the vermis. Identifiers: Orphanet 475, MedGen C5979921, MONDO:0018772.
Meckel-Gruber syndrome. Also called: DYSENCEPHALIA SPLANCHNOCYSTICA; GRUBER SYNDROME; Dysencephalia splachnocystica. Identifiers: Orphanet 564, MedGen C0265215, MONDO:0018921.
CC2D2A-related disorder. Also called: CC2D2A-related disorders; CC2D2A-related condition. Identifiers: MedGen CN239313.

Allele frequency attached by ClinVar (database versions not stated): ExAC 0.00001; gnomAD 0.00002; gnomAD exomes 0.00002.
gnomAD v4.1: 44 of 1,608,902 alleles (0.0027%); highest among the groups gnomAD compares: Admixed American, 0.0051%; no homozygotes.

Submissions (2):

PreventionGenetics, part of Exact Sciences
Classification: Likely benign for CC2D2A-related condition. Last evaluated: 2025-04-16. Review status: criteria provided, single submitter. Criteria: ACMG Guidelines, 2015. Collection method: clinical testing. Allele origin: germline.
Comment: This variant is classified as likely benign based on ACMG/AMP sequence variant interpretation guidelines (Richards et al. 2015 PMID: 25741868, with internal and published modifications).

Labcorp Genetics (formerly Invitae), Labcorp
Classification: Likely benign for Joubert syndrome; Meckel-Gruber syndrome. Last evaluated: 2025-01-19. Review status: criteria provided, single submitter. Criteria: Invitae Variant Classification Sherloc (09022015). Collection method: clinical testing. Allele origin: germline.

NM_001378615.1(CC2D2A):c.1809C>T (p.Pro603=)

Genes: CC2D2A (coiled-coil and C2 domain containing 2A; plus strand), FBXL5 (F-box and leucine rich repeat protein 5; minus strand). Cytogenetic location: 4p15.32.
Variant type: single nucleotide variant.
Coding change: c.1809C>T on transcript NM_001378615.1 (MANE Select); coding-DNA position 1809, C replaced by T.
Protein change: p.Pro603=; no amino-acid change (proline 603 retained).
Molecular consequence: synonymous variant.
Genome position (GRCh38, 1-based): chr4:15,537,943, C>T. VCF-style: chr4-15537943-C-T. GRCh37 (hg19) VCF-style: chr4-15539566-C-T.
Other names: c.1809C>T, p.Pro603= (NM_001080522.2); c.1662C>T, p.Pro554= (NM_001378617.1).
Identifiers: ClinVar variation 1580830 (VCV001580830.9), dbSNP rs778968413, ClinGen allele CA2863772.